The following is an entry in ClinVar:

NM_005732.4(RAD50):c.1691C>A (p.Thr564Asn)

Gene: RAD50 (RAD50 double strand break repair protein; plus strand). Cytogenetic location: 5q31.1.
Variant type: single nucleotide variant.
Coding change: c.1691C>A on transcript NM_005732.4 (MANE Select); coding-DNA position 1691, C replaced by A.
Protein change: p.Thr564Asn; replaces threonine 564 with asparagine.
Molecular consequence: missense variant.
Genome position (GRCh38, 1-based): chr5:132,591,932, C>A. VCF-style: chr5-132591932-C-A. GRCh37 (hg19) VCF-style: chr5-131927624-C-A.
Other names: short protein forms T564N.
Identifiers: ClinVar variation 4149727 (VCV004149727.1).

ClinVar aggregate classification (germline): Uncertain significance (1 of 4 stars; one submission).

Conditions:
Hereditary cancer-predisposing syndrome. Also called: Hereditary neoplastic syndrome; Neoplastic Syndromes, Hereditary; Tumor predisposition; Hereditary Cancer Syndrome. Identifiers: Orphanet 140162, MedGen C0027672, MeSH D009386, MONDO:0015356.

Submission:

Ambry Genetics
Classification: Uncertain significance for Hereditary cancer-predisposing syndrome. Last evaluated: 2025-08-02. Review status: criteria provided, single submitter. Criteria: Ambry Variant Classification Scheme 2023. Collection method: clinical testing. Allele origin: germline.
Comment: The p.T564N variant (also known as c.1691C>A), located in coding exon 11 of the RAD50 gene, results from a C to A substitution at nucleotide position 1691. The threonine at codon 564 is replaced by asparagine, an amino acid with similar properties. This amino acid position is conserved. In addition, this alteration is predicted to be tolerated by in silico analysis. Based on the available evidence, the clinical significance of this variant remains unclear.